The following is an entry in ClinVar:

ClinVar aggregate classification (germline): Conflicting classifications of pathogenicity. Review status: criteria provided, conflicting classifications (1 of 4 stars). 2 submissions from 2 submitters: Uncertain significance (1); Likely benign (1). Last evaluated 2026-08-28.

Conditions:
TECTA-related disorder. Also called: TECTA-related condition.

gnomAD v4.1: 11 of 1,613,664 alleles (0.00068%); highest among the groups gnomAD compares: Admixed American, 0.018%; no homozygotes.

Submissions (2):

PreventionGenetics, part of Exact Sciences
Classification: Uncertain significance for TECTA-related condition. Last evaluated: 2026-08-28. Review status: criteria provided, single submitter. Criteria: ACMG Guidelines, 2015. Collection method: clinical testing. Allele origin: germline.
Comment: The TECTA c.2825G>T variant is predicted to result in the amino acid substitution p.Arg942Leu. To our knowledge, this variant has not been reported in the literature. This variant is reported in 0.026% of alleles in individuals of Latino descent in gnomAD. At this time, the clinical significance of this variant is uncertain due to the absence of conclusive functional and genetic evidence.

Labcorp Genetics (formerly Invitae), Labcorp
Classification: Likely benign. Last evaluated: 2022-12-06. Review status: criteria provided, single submitter. Criteria: Invitae Variant Classification Sherloc (09022015). Collection method: clinical testing. Allele origin: germline.

NM_005422.4(TECTA):c.2825G>T (p.Arg942Leu)

Genes: TBCEL-TECTA (TBCEL-TECTA readthrough; plus strand), TECTA (tectorin alpha; plus strand), LOC126861365 (P300/CBP strongly-dependent group 1 enhancer GRCh37_chr11:121000154-121001353; plus strand). Cytogenetic location: 11q23.3.
Variant type: single nucleotide variant.
Coding change: c.2825G>T on transcript NM_005422.4 (MANE Select); coding-DNA position 2825, G replaced by T.
Protein change: p.Arg942Leu; replaces arginine 942 with leucine.
Molecular consequence: missense variant.
Genome position (GRCh38, 1-based): chr11:121,130,095, G>T. VCF-style: chr11-121130095-G-T. GRCh37 (hg19) VCF-style: chr11-121000804-G-T.
Other names: c.2825G>T (NM_005422.2); c.3782G>T, p.Arg1261Leu (NM_001378761.1); short protein forms R1261L, R942L.
Identifiers: ClinVar variation 1409760 (VCV001409760.7), dbSNP rs774867371, ClinGen allele CA6327076.